The following is an entry in ClinVar:

NM_003872.3(NRP2):c.81G>A (p.Pro27=)

Gene: NRP2 (neuropilin 2; plus strand). Cytogenetic location: 2q33.3.
Variant type: single nucleotide variant.
Coding change: c.81G>A on transcript NM_003872.3 (MANE Select); coding-DNA position 81, G replaced by A.
Protein change: p.Pro27=; no amino-acid change (proline 27 retained).
Molecular consequence: synonymous variant.
Genome position (GRCh38, 1-based): chr2:205,697,551, G>A. VCF-style: chr2-205697551-G-A. GRCh37 (hg19) VCF-style: chr2-206562275-G-A.
Other names: c.81G>A, p.Pro27= (NM_018534.4, NM_201264.2, NM_201266.2 and 2 more transcripts).
Identifiers: ClinVar variation 3054945 (VCV003054945.2), dbSNP rs766763562, ClinGen allele CA2068689.

ClinVar aggregate classification (germline): Likely benign (0 of 4 stars; one submission).

Conditions:
NRP2-related disorder. Also called: NRP2-related condition.

Allele frequency attached by ClinVar (database versions not stated): ExAC 0.00002; TOPMed 0.00003; gnomAD 0.00005.
gnomAD v4.1: 64 of 1,613,760 alleles (0.004%); highest among the groups gnomAD compares: East Asian, 0.0067%; no homozygotes.

Submission:

PreventionGenetics, part of Exact Sciences
Classification: Likely benign for NRP2-related condition. Last evaluated: 2022-04-21. Review status: no assertion criteria provided. Collection method: clinical testing. Allele origin: germline.
Comment: This variant is classified as likely benign based on ACMG/AMP sequence variant interpretation guidelines (Richards et al. 2015 PMID: 25741868, with internal and published modifications).